The following is an entry in ClinVar:

ClinVar aggregate classification (germline): Pathogenic/Likely pathogenic. Review status: criteria provided, multiple submitters, no conflicts (2 of 4 stars). 4 submissions from 4 submitters: Pathogenic (2); Likely pathogenic (1). 1 of the submissions does not count toward it. Last evaluated 2022-05-04.

Conditions:
MAP3K7-related disorder.
Cardiospondylocarpofacial syndrome (CSCF). Identifiers: Orphanet 3238, MedGen C2931461, MONDO:0008005, OMIM 157800.

Submissions (4):

Mendelics
Classification: Pathogenic for Cardiospondylocarpofacial syndrome. Last evaluated: 2022-05-04. Review status: criteria provided, single submitter. Criteria: Mendelics Assertion Criteria 2019. Collection method: clinical testing. Allele origin: germline.

Blueprint Genetics
Classification: Likely pathogenic for MAP3K7-related disorders. Last evaluated: 2020-01-31. Review status: criteria provided, single submitter. Criteria: ACMG Guidelines, 2015. Collection method: clinical testing. Allele origin: de novo. Affected: yes. Observed: 1 variant allele.

Labcorp Genetics (formerly Invitae), Labcorp
Classification: Pathogenic. Last evaluated: 2020-01-21. Review status: criteria provided, single submitter. Criteria: Invitae Variant Classification Sherloc (09022015). Collection method: clinical testing. Allele origin: germline.
Comment: For these reasons, this variant has been classified as Pathogenic. This variant has been reported to affect MAP3K7 protein function (PMID: 27426734). This variant has been observed in individual(s) with cardiospondylocarpofacial syndrome (PMID: 27426734). It has also been observed to segregate with disease in related individuals. In at least one individual the variant was observed to be de novo. ClinVar contains an entry for this variant (Variation ID: 264704). This variant is not present in population databases (ExAC no frequency). This variant, c.148_150del, results in the deletion of 1 amino acid(s) of the MAP3K7 protein (p.Val50del), but otherwise preserves the integrity of the reading frame.

OMIM
Classification: Pathogenic for CARDIOSPONDYLOCARPOFACIAL SYNDROME. Last evaluated: 2022-02-04. Review status: no assertion criteria provided. Collection method: literature only. Allele origin: germline. Not counted in ClinVar's aggregate classification.

Literature cited by the submitters: PubMed 27426734 (cited by Labcorp Genetics (formerly Invitae), Labcorp); Le Goff, C., Rogers, C., Le Goff, W., Pinto, G., Bonnet, D., Chrabieh, M., Alibeu, O., Nistchke, P., Munnich, A., Picard, C., Cormier-Daire, V. Heterozygous mutations in MAP3K7, encoding TGF-beta-activated kinase 1, cause cardiospondylocarpofacial syndrome. Am. J. Hum. Genet. 99: 407-413, 2016. (cited by OMIM).

NM_145331.3(MAP3K7):c.145GTT[1] (p.Val50del)

Gene: MAP3K7 (mitogen-activated protein kinase kinase kinase 7; minus strand). Cytogenetic location: 6q15.
Variant type: Microsatellite.
Coding change: c.145GTT[1] on transcript NM_145331.3 (MANE Select); one copy of the 3-base unit GTT starting at c.145; the reference has two copies in a row; one copy, 3 bases deleted.
Protein change: p.Val50del; deletes valine 50.
Molecular consequence: inframe deletion.
Genome position (GRCh38, 1-based): chr6:90,571,778-90,571,780, AAC deleted on the plus strand (GTT on the coding strand, the reverse complement: MAP3K7 is on the minus strand); deleting any 3 consecutive bases within chr6:90,571,778-90,571,783 gives the same sequence; the position shown is the placement nearest the transcript's 3' end. VCF-style (leftmost placement, unchanged base first): chr6-90571777-AAAC-A. GRCh37 (hg19) VCF-style: chr6-91281496-AAAC-A.
Other names: c.145GTT[1], p.Val50del (NM_003188.4, NM_145332.3, NM_145333.3); short protein forms V50del.
Identifiers: ClinVar variation 264704 (VCV000264704.13), dbSNP rs886039236, ClinGen allele CA10588012.